The following is an entry in ClinVar:

NM_000384.3(APOB):c.7792C>T (p.Pro2598Ser)

Gene: APOB (apolipoprotein B; minus strand). Cytogenetic location: 2p24.1.
Variant type: single nucleotide variant.
Coding change: c.7792C>T on transcript NM_000384.3 (MANE Select); coding-DNA position 7792, C replaced by T.
Protein change: p.Pro2598Ser; replaces proline 2598 with serine.
Molecular consequence: missense variant.
Genome position (GRCh38, 1-based): chr2:21,009,076, G>A on the plus strand (C>T on the coding strand, the complement: APOB is on the minus strand). VCF-style: chr2-21009076-G-A. GRCh37 (hg19) VCF-style: chr2-21231948-G-A.
Other names: short protein forms P2598S.
Identifiers: ClinVar variation 2586198 (VCV002586198.4), dbSNP rs1370988843, ClinGen allele CA345996107.

ClinVar aggregate classification (germline): Uncertain significance. Review status: criteria provided, multiple submitters, no conflicts (2 of 4 stars). 2 submissions from 2 submitters: Uncertain significance (2). Last evaluated 2024-05-05.

Conditions:
Familial hypobetalipoproteinemia 1. Also called: APOB-Related Familial Hypobetalipoproteinemia; Hypobetalipoproteinemia, normotriglyceridemic; Acanthocytosis with hypobetalipoproteinemia. Identifiers: MedGen C4551990, MONDO:0014252, OMIM 615558.
Hypercholesterolemia, autosomal dominant, type B (FHCL2). Also called: APOLIPOPROTEIN B-100, FAMILIAL DEFECTIVE; APOLIPOPROTEIN B-100, FAMILIAL LIGAND-DEFECTIVE; HYPERCHOLESTEROLEMIA, FAMILIAL, DUE TO LIGAND-DEFECTIVE APOLIPOPROTEIN B; Familial Hypercholesterolemia Type B; Familial hypercholesterolemia 2; APOB-Related Familial Hypercholesterolemia, Autosomal Dominant. Identifiers: MedGen C1704417, MONDO:0007751, OMIM 144010.
Cardiovascular phenotype. Identifiers: MedGen CN230736.

Allele frequency attached by ClinVar (database versions not stated): TOPMed below 0.00001; gnomAD 0.00001.
gnomAD v4.1: 1 of 1,613,936 alleles (0.000062%); highest among the groups gnomAD compares: Non-Finnish European, 0.000085%; no homozygotes.

Submissions (2):

Labcorp Genetics (formerly Invitae), Labcorp
Classification: Uncertain significance for Familial hypobetalipoproteinemia 1; Hypercholesterolemia, autosomal dominant, type B. Last evaluated: 2024-05-05. Review status: criteria provided, single submitter. Criteria: Invitae Variant Classification Sherloc (09022015). Collection method: clinical testing. Allele origin: germline.
Comment: This sequence change replaces proline, which is neutral and non-polar, with serine, which is neutral and polar, at codon 2598 of the APOB protein (p.Pro2598Ser). The frequency data for this variant in the population databases is considered unreliable, as metrics indicate poor data quality at this position in the gnomAD database. This variant has not been reported in the literature in individuals affected with APOB-related conditions. ClinVar contains an entry for this variant (Variation ID: 2586198). Advanced modeling of protein sequence and biophysical properties (such as structural, functional, and spatial information, amino acid conservation, physicochemical variation, residue mobility, and thermodynamic stability) performed at Invitae indicates that this missense variant is not expected to disrupt APOB protein function with a negative predictive value of 95%. In summary, the available evidence is currently insufficient to determine the role of this variant in disease. Therefore, it has been classified as a Variant of Uncertain Significance.

Ambry Genetics
Classification: Uncertain significance for Cardiovascular phenotype. Last evaluated: 2023-09-13. Review status: criteria provided, single submitter. Criteria: Ambry Variant Classification Scheme 2023. Collection method: clinical testing. Allele origin: germline.
Comment: The p.P2598S variant (also known as c.7792C>T), located in coding exon 26 of the APOB gene, results from a C to T substitution at nucleotide position 7792. The proline at codon 2598 is replaced by serine, an amino acid with similar properties. This amino acid position is highly conserved in available vertebrate species. In addition, this alteration is predicted to be tolerated by in silico analysis. Since supporting evidence is limited at this time, the clinical significance of this alteration remains unclear.